The following is an entry in ClinVar:

NM_024809.5(TCTN2):c.1726G>C (p.Val576Leu)

Gene: TCTN2 (tectonic family member 2; plus strand). Cytogenetic location: 12q24.31.
Variant type: single nucleotide variant.
Coding change: c.1726G>C on transcript NM_024809.5 (MANE Select); coding-DNA position 1726, G replaced by C.
Protein change: p.Val576Leu; replaces valine 576 with leucine.
Molecular consequence: missense variant.
Genome position (GRCh38, 1-based): chr12:123,704,645, G>C. VCF-style: chr12-123704645-G-C. GRCh37 (hg19) VCF-style: chr12-124189192-G-C.
Other names: c.1723G>C, p.Val575Leu (NM_001143850.3); c.1591G>C, p.Val531Leu (NM_001410989.1); short protein forms V531L, V576L, V575L.
Identifiers: ClinVar variation 1937743 (VCV001937743.5), dbSNP rs1322947429, ClinGen allele CA387147783.
Genomic context (GRCh38, chr12:123,704,645, plus strand): 5'-ATGTGCCTGGATATTCCTGCTCACCTGAGCATCCGCATCCTCATCTCGGATGCTGGCGCG[G>C]TGGAAGGGATTACTCAGCAGGAGATACTCGGTGTAGAGACAAGGTATGATCACATCTTGG-3'
Protein context (NP_079085.2, residues 566-586): IRILISDAGA[Val576Leu]EGITQQEILG

ClinVar aggregate classification (germline): Uncertain significance (1 of 4 stars; one submission).

Conditions:
Joubert syndrome. Also called: CEREBELLOPARENCHYMAL DISORDER IV; JOUBERT-BOLTSHAUSER SYNDROME; Familial aplasia of the vermis. Identifiers: Orphanet 475, MedGen C5979921, MONDO:0018772.
Meckel-Gruber syndrome. Also called: DYSENCEPHALIA SPLANCHNOCYSTICA; GRUBER SYNDROME; Dysencephalia splachnocystica. Identifiers: Orphanet 564, MedGen C0265215, MONDO:0018921.

Allele frequency attached by ClinVar (database versions not stated): gnomAD exomes below 0.00001; TOPMed below 0.00001; gnomAD 0.00001.
gnomAD v4.1: 5 of 1,613,088 alleles (0.00031%); highest among the groups gnomAD compares: Middle Eastern, 0.016%; no homozygotes.

Submission:

Labcorp Genetics (formerly Invitae), Labcorp
Classification: Uncertain significance for Joubert syndrome; Meckel-Gruber syndrome. Last evaluated: 2023-09-25. Review status: criteria provided, single submitter. Criteria: Invitae Variant Classification Sherloc (09022015). Collection method: clinical testing. Allele origin: germline.
Comment: In summary, the available evidence is currently insufficient to determine the role of this variant in disease. Therefore, it has been classified as a Variant of Uncertain Significance. Advanced modeling of protein sequence and biophysical properties (such as structural, functional, and spatial information, amino acid conservation, physicochemical variation, residue mobility, and thermodynamic stability) performed at Invitae indicates that this missense variant is not expected to disrupt TCTN2 protein function. ClinVar contains an entry for this variant (Variation ID: 1937743). This variant has not been reported in the literature in individuals affected with TCTN2-related conditions. This variant is present in population databases (no rsID available, gnomAD 0.0009%). This sequence change replaces valine, which is neutral and non-polar, with leucine, which is neutral and non-polar, at codon 576 of the TCTN2 protein (p.Val576Leu).